The following is an entry in ClinVar:

ClinVar aggregate classification (germline): Conflicting classifications of pathogenicity. Review status: criteria provided, conflicting classifications (1 of 4 stars). 9 submissions from 9 submitters: Uncertain significance (1); Benign (5); Likely benign (3). Last evaluated 2026-08-01.

Conditions:
Inborn mitochondrial myopathy. Also called: Mitochondrial myopathy; Mitochondrial Myopathies. Identifiers: Orphanet 206966, MedGen C0162670, MONDO:0009637, HP:0003737.

Allele frequency attached by ClinVar (database versions not stated): 1000 Genomes Project 0.00200; 1000 Genomes Project 30x 0.00219; ExAC 0.00367; gnomAD exomes 0.00381 and 0.00615; TOPMed 0.00436; gnomAD 0.00445 and 0.00451; ESP Exome Variant Server 0.00592.
gnomAD v4.1: 9,598 of 1,613,938 alleles (0.59%); highest among the groups gnomAD compares: Non-Finnish European, 0.73%; 41 homozygotes.

Submissions (9):

CeGaT Center for Human Genetics Tuebingen
Classification: Likely benign. Last evaluated: 2026-08-01. Review status: criteria provided, single submitter. Criteria: CeGaT Center For Human Genetics Tuebingen Variant Classification Criteria Version 2. Collection method: clinical testing. Allele origin: germline. Affected: yes. Observed: 31 variant alleles.
Comment: LARS2: BS2

Labcorp Genetics (formerly Invitae), Labcorp
Classification: Likely benign. Last evaluated: 2026-02-04. Review status: criteria provided, single submitter. Criteria: Invitae Variant Classification Sherloc (09022015). Collection method: clinical testing. Allele origin: germline.

Athena Diagnostics
Classification: Benign. Last evaluated: 2024-09-16. Review status: criteria provided, single submitter. Criteria: Athena Diagnostics Criteria. Collection method: clinical testing. Allele origin: unknown.

ARUP Laboratories, Molecular Genetics and Genomics, ARUP Laboratories
Classification: Benign. Last evaluated: 2022-10-25. Review status: criteria provided, single submitter. Criteria: ARUP Molecular Germline Variant Investigation Process 2021. Collection method: clinical testing. Allele origin: germline.

Kids Research, The Children's Hospital at Westmead
Classification: Uncertain significance for Mitochondrial myopathy. Last evaluated: 2019-07-18. Review status: criteria provided, single submitter. Criteria: ACMG Guidelines, 2015. Collection method: research. Allele origin: inherited. Inheritance: Autosomal recessive inheritance. Affected: yes. Observed: 1 compound heterozygote.

GeneDx
Classification: Benign. Last evaluated: 2019-02-05. Review status: criteria provided, single submitter. Criteria: GeneDx Variant Classification Process June 2021. Collection method: clinical testing. Allele origin: germline. Affected: yes.
Comment: This variant is associated with the following publications: (PMID: 32442335)

Mayo Clinic Laboratories, Mayo Clinic
Classification: Benign. Last evaluated: 2018-11-27. Review status: criteria provided, single submitter. Criteria: ACMG Guidelines, 2015. Collection method: clinical testing. Allele origin: germline. Observed: 6 variant alleles.

Eurofins Ntd Llc (ga)
Classification: Likely benign. Last evaluated: 2017-11-30. Review status: criteria provided, single submitter. Criteria: EGL Classification Definitions 2015. Collection method: clinical testing. Allele origin: germline. Observed: 1 variant allele, 1 heterozygote.

Laboratory for Molecular Medicine, Mass General Brigham Personalized Medicine
Classification: Benign. Last evaluated: 2014-11-24. Review status: criteria provided, single submitter. Criteria: LMM Criteria. Collection method: clinical testing. Allele origin: germline. Observed: 6 variant alleles.
Comment: Asp518Asn in exon 14 of LARS2: This variant is not expected to have clinical sig nificance because it has been identified in 0.8% (67/8600) of European American chromosomes from a broad population by the NHLBI Exome Sequencing Project (dbSNP rs116826217).

Literature cited by the submitters: PubMed 28430790 (cited by Athena Diagnostics); PubMed 32442335 (cited by Athena Diagnostics).

NM_015340.4(LARS2):c.1552G>A (p.Asp518Asn)

Genes: LARS2 (leucyl-tRNA synthetase 2, mitochondrial; plus strand), LARS2-AS1 (LARS2 antisense RNA 1; minus strand). Cytogenetic location: 3p21.31.
Variant type: single nucleotide variant.
Coding change: c.1552G>A on transcript NM_015340.4 (MANE Select); coding-DNA position 1552, G replaced by A.
Protein change: p.Asp518Asn; replaces aspartic acid 518 with asparagine.
Molecular consequence: missense variant.
Genome position (GRCh38, 1-based): chr3:45,496,303, G>A. VCF-style: chr3-45496303-G-A. GRCh37 (hg19) VCF-style: chr3-45537795-G-A.
Other names: c.1552G>A, p.Asp518Asn (NM_001368263.1); short protein forms D518N.
Identifiers: ClinVar variation 226694 (VCV000226694.57), dbSNP rs116826217, ClinGen allele CA2349637.